The following is an entry in ClinVar:

ClinVar aggregate classification (germline): Benign/Likely benign. Review status: criteria provided, multiple submitters, no conflicts (2 of 4 stars). 2 submissions from 2 submitters: Benign (1); Likely benign (1). Last evaluated 2026-01-03.

Conditions:
DiGeorge syndrome. Also called: Catch22; THIRD AND FOURTH PHARYNGEAL POUCH SYNDROME. Identifiers: Orphanet 567, MedGen C0012236, MONDO:0008564, OMIM 188400.

Allele frequency attached by ClinVar (database versions not stated): gnomAD 0.00008; TOPMed 0.00029.
gnomAD v4.1: 110 of 1,478,130 alleles (0.0074%); highest among the groups gnomAD compares: Admixed American, 0.24%; no homozygotes.

Submissions (2):

Labcorp Genetics (formerly Invitae), Labcorp
Classification: Benign for DiGeorge syndrome. Last evaluated: 2026-01-03. Review status: criteria provided, single submitter. Criteria: Invitae Variant Classification Sherloc (09022015). Collection method: clinical testing. Allele origin: germline.

GeneDx
Classification: Likely benign. Last evaluated: 2020-11-30. Review status: criteria provided, single submitter. Criteria: GeneDx Variant Classification Process June 2021. Collection method: clinical testing. Allele origin: germline. Affected: yes.
Comment: In silico analysis, which includes protein predictors and evolutionary conservation, supports that this variant does not alter protein structure/function; Has not been previously published as pathogenic or benign to our knowledge

NM_001379200.1(TBX1):c.1238C>G (p.Ala413Gly)

Gene: TBX1 (T-box transcription factor 1; plus strand). Cytogenetic location: 22q11.21.
Variant type: single nucleotide variant.
Coding change: c.1238C>G on transcript NM_001379200.1 (MANE Select); coding-DNA position 1238, C replaced by G.
Protein change: p.Ala413Gly; replaces alanine 413 with glycine.
Molecular consequence: missense variant. On other transcripts: intron variant (2).
Genome position (GRCh38, 1-based): chr22:19,766,590, C>G. VCF-style: chr22-19766590-C-G. GRCh37 (hg19) VCF-style: chr22-19754113-C-G.
Other names: c.1211C>G, p.Ala404Gly (NM_080647.1); c.1009+588C>G (NM_005992.1, NM_080646.2); short protein forms A404G, A413G.
Identifiers: ClinVar variation 704568 (VCV000704568.12), dbSNP rs557935727, ClinGen allele CA10102674.